The following is an entry in ClinVar:

NM_020366.4(RPGRIP1):c.2425T>C (p.Cys809Arg)

Gene: RPGRIP1 (RPGR interacting protein 1; plus strand). Cytogenetic location: 14q11.2.
Variant type: single nucleotide variant.
Coding change: c.2425T>C on transcript NM_020366.4 (MANE Select); coding-DNA position 2425, T replaced by C.
Protein change: p.Cys809Arg; replaces cysteine 809 with arginine.
Molecular consequence: missense variant. On other transcripts: intron variant (4).
Genome position (GRCh38, 1-based): chr14:21,325,888, T>C. VCF-style: chr14-21325888-T-C. GRCh37 (hg19) VCF-style: chr14-21794047-T-C.
Other names: c.1351T>C, p.Cys451Arg (NM_001377948.1); c.796+1163T>C (NM_001377949.1); c.689-1735T>C (NM_001377523.1, NM_001377950.1); c.191-1735T>C (NM_001377951.1); c.2425T>C (NM_020366.3); short protein forms C451R, C809R.
Identifiers: ClinVar variation 2201369 (VCV002201369.4), dbSNP rs748351426, ClinGen allele CA7089256.

ClinVar aggregate classification (germline): Uncertain significance. Review status: criteria provided, multiple submitters, no conflicts (2 of 4 stars). 2 submissions from 2 submitters: Uncertain significance (2). Last evaluated 2023-12-18.

Conditions:
Inborn genetic diseases. Identifiers: MedGen C0950123, MeSH D030342.
Leber congenital amaurosis 6 (LCA6). Identifiers: Orphanet 65, MedGen C1854260, MONDO:0013446, OMIM 613826.
Cone-rod dystrophy 13 (CORD13). Identifiers: Orphanet 1872, MedGen C2750720, MONDO:0011987, OMIM 608194.

Allele frequency attached by ClinVar (database versions not stated): gnomAD exomes 0.00001; TOPMed 0.00001; ExAC 0.00002.

Submissions (2):

Ambry Genetics
Classification: Uncertain significance for Inborn genetic diseases. Last evaluated: 2023-12-18. Review status: criteria provided, single submitter. Criteria: Ambry Variant Classification Scheme 2023. Collection method: clinical testing. Allele origin: germline.

Labcorp Genetics (formerly Invitae), Labcorp
Classification: Uncertain significance for Leber congenital amaurosis 6; Cone-rod dystrophy 13. Last evaluated: 2022-03-04. Review status: criteria provided, single submitter. Criteria: Invitae Variant Classification Sherloc (09022015). Collection method: clinical testing. Allele origin: germline.
Comment: This variant is present in population databases (rs748351426, gnomAD 0.003%). This sequence change replaces cysteine, which is neutral and slightly polar, with arginine, which is basic and polar, at codon 809 of the RPGRIP1 protein (p.Cys809Arg). This variant has not been reported in the literature in individuals affected with RPGRIP1-related conditions. Algorithms developed to predict the effect of missense changes on protein structure and function output the following: SIFT: "Tolerated"; PolyPhen-2: "Benign"; Align-GVGD: "Class C0". The arginine amino acid residue is found in multiple mammalian species, which suggests that this missense change does not adversely affect protein function. In summary, the available evidence is currently insufficient to determine the role of this variant in disease. Therefore, it has been classified as a Variant of Uncertain Significance.